The following is an entry in ClinVar:

ClinVar aggregate classification (germline): Uncertain significance (1 of 4 stars; one submission).

Conditions:
LRP2-related disorder. Also called: LRP2-related condition.

gnomAD v4.1: 2 of 1,614,162 alleles (0.00012%); highest among the groups gnomAD compares: Non-Finnish European, 0.00017%; no homozygotes.

Submission:

PreventionGenetics, part of Exact Sciences
Classification: Uncertain significance for LRP2-related condition. Last evaluated: 2025-01-10. Review status: criteria provided, single submitter. Criteria: ACMG Guidelines, 2015. Collection method: clinical testing. Allele origin: germline.
Comment: The LRP2 c.13369G>C variant is predicted to result in the amino acid substitution p.Ala4457Pro. To our knowledge, this variant has not been reported in the literature or in a large population database (gnomAD), indicating this variant is rare. At this time, the clinical significance of this variant is uncertain due to the absence of conclusive functional and genetic evidence.

NM_004525.3(LRP2):c.13369G>C (p.Ala4457Pro)

Gene: LRP2 (LDL receptor related protein 2; minus strand). Cytogenetic location: 2q31.1.
Variant type: single nucleotide variant.
Coding change: c.13369G>C on transcript NM_004525.3 (MANE Select); coding-DNA position 13369, G replaced by C.
Protein change: p.Ala4457Pro; replaces alanine 4457 with proline.
Molecular consequence: missense variant.
Genome position (GRCh38, 1-based): chr2:169,139,270, C>G on the plus strand (G>C on the coding strand, the complement: LRP2 is on the minus strand). VCF-style: chr2-169139270-C-G. GRCh37 (hg19) VCF-style: chr2-169995780-C-G.
Other names: short protein forms A4457P.
Identifiers: ClinVar variation 5001810 (VCV005001810.1).